The following is an entry in ClinVar:

ClinVar aggregate classification (germline): Uncertain significance (1 of 4 stars; one submission).

Conditions:
Hajdu-Cheney syndrome (HJCYS). Also called: SERPENTINE FIBULA-POLYCYSTIC KIDNEY SYNDROME; Acroosteolysis dominant type; ACROOSTEOLYSIS WITH OSTEOPOROSIS AND CHANGES IN SKULL AND MANDIBLE. Identifiers: Orphanet 955, MedGen C0917715, MONDO:0007057, OMIM 102500.

gnomAD v4.1: 4 of 1,614,138 alleles (0.00025%); highest among the groups gnomAD compares: Non-Finnish European, 0.00034%; no homozygotes.

Submission:

Labcorp Genetics (formerly Invitae), Labcorp
Classification: Uncertain significance for Hajdu-Cheney syndrome. Last evaluated: 2025-02-13. Review status: criteria provided, single submitter. Criteria: Invitae Variant Classification Sherloc (09022015). Collection method: clinical testing. Allele origin: germline.
Comment: This sequence change replaces serine, which is neutral and polar, with asparagine, which is neutral and polar, at codon 1030 of the NOTCH2 protein (p.Ser1030Asn). This variant is present in population databases (rs782643558, gnomAD 0.0009%). This variant has not been reported in the literature in individuals affected with NOTCH2-related conditions. Invitae Evidence Modeling of protein sequence and biophysical properties (such as structural, functional, and spatial information, amino acid conservation, physicochemical variation, residue mobility, and thermodynamic stability) indicates that this missense variant is not expected to disrupt NOTCH2 protein function with a negative predictive value of 80%. In summary, the available evidence is currently insufficient to determine the role of this variant in disease. Therefore, it has been classified as a Variant of Uncertain Significance.

NM_024408.4(NOTCH2):c.3089G>A (p.Ser1030Asn)

Gene: NOTCH2 (notch receptor 2; minus strand). Cytogenetic location: 1p12.
Variant type: single nucleotide variant.
Coding change: c.3089G>A on transcript NM_024408.4 (MANE Select); coding-DNA position 3089, G replaced by A.
Protein change: p.Ser1030Asn; replaces serine 1030 with asparagine.
Molecular consequence: missense variant.
Genome position (GRCh38, 1-based): chr1:119,940,649, C>T on the plus strand (G>A on the coding strand, the complement: NOTCH2 is on the minus strand). VCF-style: chr1-119940649-C-T. GRCh37 (hg19) VCF-style: chr1-120483272-C-T.
Other names: c.3089G>A, p.Ser1030Asn (NM_001200001.2); short protein forms S1030N.
Identifiers: ClinVar variation 3701727 (VCV003701727.2).